The following is an entry in ClinVar:

ClinVar aggregate classification (germline): Likely pathogenic (1 of 4 stars; one submission).

Conditions:
Congenital myasthenic syndrome (CMS). Also called: Congenital Myasthenic Syndromes. Identifiers: Orphanet 590, MedGen C0751882, MeSH D020294, MONDO:0018940.

Submission:

Natera, Inc.
Classification: Likely pathogenic for Congenital myasthenic syndrome. Last evaluated: 2025-12-10. Review status: criteria provided, single submitter. Criteria: Natera Variant Classification Schema (03/2026). Collection method: clinical testing. Allele origin: germline.
Comment: The c.755_759del variant in RAPSN is a frameshift variant predicted to shift the reading frame and introduce a stop codon. This variant is expected to result in nonsense mediated decay, truncation, or a dysfunctional protein product. This variant is rare in the general population with a frequency below the threshold expected for the associated phenotype(s). Given the available evidence, this variant is classified as Likely Pathogenic.

NM_005055.5(RAPSN):c.755_759del (p.Cys251_Phe252insTer)

Gene: RAPSN (receptor associated protein of the synapse; minus strand). Cytogenetic location: 11p11.2.
Variant type: Deletion.
Coding change: c.755_759del on transcript NM_005055.5 (MANE Select); coding-DNA positions 755 to 759, 5 bases deleted (TCGCT; older notation c.755_759delTCGCT).
Protein change: p.Cys251_Phe252insTer.
Molecular consequence: nonsense.
Genome position (GRCh38, 1-based): chr11:47,441,853-47,441,857, AGCGA deleted on the plus strand (TCGCT on the coding strand, the reverse complement: RAPSN is on the minus strand); deleting any 5 consecutive bases within chr11:47,441,853-47,441,860 gives the same sequence; the c. name uses the placement nearest the transcript's 3' end. VCF-style (leftmost placement, unchanged base first): chr11-47441852-CAGCGA-C. GRCh37 (hg19) VCF-style: chr11-47463404-CAGCGA-C.
Other names: c.755_759del, p.Cys251_Phe252insTer (NM_001440490.1, NM_001440491.1, NM_001440492.1 and 8 more transcripts); c.596_600del, p.Cys198_Phe199insTer (NM_001440493.1, NM_001440499.1, NM_001440502.1 and 1 more transcripts); c.416_420del, p.Cys138_Phe139insTer (NM_001440504.1).
Identifiers: ClinVar variation 4815409 (VCV004815409.1).
Genomic context (GRCh38, chr11:47,441,852, plus strand): 5'-GCCCCCAGCCCCTGCATCCCGGTGACCTCACCTCCAGGTCCCCACGGCTCCGGTGGATGT[CAGCGA>C]AGCAGAGCAGGCAGAGCGCCTGCAGTGGCCGGTCCCCGTGCTGCAGCGCGATCTTCATAG-3'